The following is an entry in ClinVar:

ClinVar aggregate classification (germline): Uncertain significance. Review status: criteria provided, multiple submitters, no conflicts (2 of 4 stars). 2 submissions from 2 submitters: Uncertain significance (2). Last evaluated 2025-10-08.

Conditions:
Ehlers-Danlos syndrome, classic type, 1 (EDSCL1). Also called: EHLERS-DANLOS SYNDROME, GRAVIS TYPE; EHLERS-DANLOS SYNDROME, SEVERE CLASSIC TYPE; Ehlers-Danlos syndrome, type 1; Ehlers-Danlos Syndrome, Classic Type, COL5A1-Related; EDS I. Identifiers: MedGen C0268335, MONDO:0019567, OMIM 130000.
Osteogenesis imperfecta type I (OI1). Also called: OI, TYPE I; OSTEOGENESIS IMPERFECTA TARDA; OSTEOGENESIS IMPERFECTA WITH BLUE SCLERAE; Osteogenesis imperfecta type 1; Lobstein's Disease; Lobstein disease. Identifiers: Orphanet 216796, Orphanet 666, MedGen C0023931, MONDO:0008146, OMIM 166200. Disease mechanism: loss of function.

gnomAD v4.1: 8 of 1,613,840 alleles (0.0005%); highest among the groups gnomAD compares: Non-Finnish European, 0.00068%; no homozygotes.

Submissions (2):

Labcorp Genetics (formerly Invitae), Labcorp
Classification: Uncertain significance for Osteogenesis imperfecta type I; Ehlers-Danlos syndrome, classic type, 1. Last evaluated: 2025-10-08. Review status: criteria provided, single submitter. Criteria: Invitae Variant Classification Sherloc (09022015). Collection method: clinical testing. Allele origin: germline.
Comment: This sequence change replaces asparagine, which is neutral and polar, with histidine, which is basic and polar, at codon 1322 of the COL1A2 protein (p.Asn1322His). This variant is not present in population databases (gnomAD no frequency). This variant has not been reported in the literature in individuals affected with COL1A2-related conditions. Invitae Evidence Modeling of protein sequence and biophysical properties (such as structural, functional, and spatial information, amino acid conservation, physicochemical variation, residue mobility, and thermodynamic stability) indicates that this missense variant is not expected to disrupt COL1A2 protein function with a negative predictive value of 95%. In summary, the available evidence is currently insufficient to determine the role of this variant in disease. Therefore, it has been classified as a Variant of Uncertain Significance.

GeneDx
Classification: Uncertain significance. Last evaluated: 2025-06-20. Review status: criteria provided, single submitter. Criteria: GeneDx Variant Classification Process June 2021. Collection method: clinical testing. Allele origin: germline. Affected: yes.
Comment: Not observed at significant frequency in large population cohorts (gnomAD); In silico analysis suggests that this missense variant does not alter protein structure/function; Not located in the triple helical region, where the majority of pathogenic missense variants occur (HGMD); Has not been previously published as pathogenic or benign to our knowledge

NM_000089.4(COL1A2):c.3964A>C (p.Asn1322His)

Gene: COL1A2 (collagen type I alpha 2 chain; plus strand). Cytogenetic location: 7q21.3.
Variant type: single nucleotide variant.
Coding change: c.3964A>C on transcript NM_000089.4 (MANE Select); coding-DNA position 3964, A replaced by C.
Protein change: p.Asn1322His; replaces asparagine 1322 with histidine.
Molecular consequence: missense variant.
Genome position (GRCh38, 1-based): chr7:94,430,256, A>C. VCF-style: chr7-94430256-A-C. GRCh37 (hg19) VCF-style: chr7-94059568-A-C.
Other names: short protein forms N1322H.
Identifiers: ClinVar variation 4538940 (VCV004538940.2).